The following continues an entry in ClinVar:

NM_014874.4(MFN2):c.2219G>C (p.Trp740Ser)

Gene: MFN2. ClinVar aggregate classification (germline): Pathogenic/Likely pathogenic. Pathogenic (13); Likely pathogenic (1).

Submissions 11 to 16 of 16:

Fulgent Genetics
Classification: Pathogenic for Neuropathy, hereditary motor and sensory, type 6A; Charcot-Marie-Tooth disease type 2A2; Charcot-Marie-Tooth disease, axonal, autosomal recessive, type 2a2b;. Last evaluated: 2018-10-31. Review status: criteria provided, single submitter. Criteria: ACMG Guidelines, 2015. Collection method: clinical testing. Allele origin: unknown.

ARUP Laboratories, Molecular Genetics and Genomics, ARUP Laboratories
Classification: Pathogenic. Last evaluated: 2018-08-17. Review status: criteria provided, single submitter. Criteria: ARUP Molecular Germline Variant Investigation Process. Collection method: clinical testing. Allele origin: germline.
Comment: The MFN2 c.2219G>C; p.Trp740Ser variant (rs28940292), is reported in the literature in multiple individuals affected with Charcot-Marie-Tooth disease type 2 (Brozkova 2013, DiVincenzo 2014, Feely 2011, Gonzaga-Jauregui 2015, Verhoeven 2006, Zuchner 2004). This variant is reported as pathogenic by multiple laboratories in ClinVar (Variation ID: 2269), and is absent from general population databases (1000 Genomes Project, Exome Variant Server, and Genome Aggregation Database), indicating it is not a common polymorphism. Functional analyses of the variant protein in heterologous cell types shows no impact on mitochondrial fusion or oxidative activity (Baloh 2007, Detmer 2007). However, microtubule-assisted mitochondrial transport is severely impaired in neurons expressing the variant protein (Baloh 2007, Misko 2010). The tryptophan at codon 740 is highly conserved, but computational analyses (SIFT, PolyPhen-2) predict that this variant is tolerated. However, the variant is predicted to extend the coiled-coil domain at the C-terminal (Zuchner 2004). Based on available information, the p.Trp740Ser variant is considered to be pathogenic. References: Baloh R et al. Altered axonal mitochondrial transport in the pathogenesis of Charcot-Marie-Tooth disease from mitofusin 2 mutations. J Neurosci. 2007; 27(2):422-30. Brozkova D et al. Spectrum and frequencies of mutations in the MFN2 gene and its phenotypical expression in Czech hereditary motor and sensory neuropathy type II patients. Mol Med Rep. 2013; 8(6):1779-84. Detmer S et al. Complementation between mouse Mfn1 and Mfn2 protects mitochondrial fusion defects caused by CMT2A disease mutations. J Cell Biol. 2007; 176(4):405-14. DiVincenzo C et al. The allelic spectrum of Charcot-Marie-Tooth disease in over 17,000 individuals with neuropathy. Mol Genet Genomic Med. 2014 Nov;2(6):522-9. Feely S et al. MFN2 mutations cause severe phenotypes in most patients with CMT2A. Neurology. 2011; 76(20):1690-6. Gonzaga-Jauregui C et al. Exome Sequence Analysis Suggests that Genetic Burden Contributes to Phenotypic Variability and Complex Neuropathy. Cell Rep. 2015; 12(7):1169-83. Misko A et al. Mitofusin 2 is necessary for transport of axonal mitochondria and interacts with the Miro/Milton complex. J Neurosci. 2010; 30(12):4232-40. Verhoeven K et al. MFN2 mutation distribution and genotype/phenotype correlation in Charcot-Marie-Tooth type 2. Brain. 2006; 129(Pt 8):2093-102. Zuchner S et al. Mutations in the mitochondrial GTPase mitofusin 2 cause Charcot-Marie-Tooth neuropathy type 2A. Nat Genet. 2004; 36(5):449-51.

HudsonAlpha Institute for Biotechnology
Classification: Pathogenic for Charcot-Marie-Tooth disease type 2A2. Last evaluated: 2017-04-13. Review status: criteria provided, single submitter. Criteria: HA_assertions_20150911. Collection method: research. Allele origin: unknown. Affected: yes. Observed: 1 variant allele. Study: CSER-HudsonAlpha.

Lupski Lab, Baylor-Hopkins CMG, Baylor College of Medicine
Classification: Pathogenic for Charcot-Marie-Tooth disease type 2A2. Last evaluated: 2015-08-18. Review status: criteria provided, single submitter. Criteria: Zuchner et al. (Nat Genet. 2004). Collection method: research. Allele origin: germline. Inheritance: Autosomal dominant inheritance. Affected: yes. Observed: 1 variant allele, 1 heterozygote.

Genesis Genome Database
Classification: Uncertain significance for Charcot-Marie-Tooth disease. Last evaluated: 2019-08-14. Review status: no assertion criteria provided. Collection method: research. Allele origin: germline. Affected: yes. Not counted in ClinVar's aggregate classification.

OMIM
Classification: Pathogenic for CHARCOT-MARIE-TOOTH DISEASE, AXONAL, TYPE 2A2A. Last evaluated: 2004-05-01. Review status: no assertion criteria provided. Collection method: literature only. Allele origin: germline. Not counted in ClinVar's aggregate classification.

Literature cited by the submitters: PubMed 15064763 (cited by 7 submitters); PubMed 16714318 (cited by 3 submitters); PubMed 21508331 (cited by 4 submitters); PubMed 24126688 (cited by 6 submitters); PubMed 25614874 (cited by 5 submitters); PubMed 17215403 (cited by 4 submitters); PubMed 17296794 (cited by 4 submitters); PubMed 20335458 (cited by 3 submitters); PubMed 26257172 (cited by 4 submitters); PubMed 30649465 (cited by 3 submitters); PubMed 29068134 (cited by Variantyx, Inc.); PubMed 33415332 (cited by 3 submitters); PubMed 32399692 (cited by Women's Health and Genetics/Laboratory Corporation of America, LabCorp and Athena Diagnostics); PubMed 29790872 (cited by Athena Diagnostics); PubMed 8406488 (cited by Athena Diagnostics and OMIM); PubMed 29341354 (cited by Athena Diagnostics and Variantyx, Inc.); PubMed 29361379 (cited by Athena Diagnostics).